The following is an entry in ClinVar:

NM_001854.4(COL11A1):c.4302+5G>A

Gene: COL11A1 (collagen type XI alpha 1 chain; minus strand). Cytogenetic location: 1p21.1.
Variant type: single nucleotide variant.
Coding change: c.4302+5G>A on transcript NM_001854.4 (MANE Select); 5 bases into the intron after coding-DNA position 4302, G replaced by A.
Molecular consequence: intron variant.
Genome position (GRCh38, 1-based): chr1:102,898,120, C>T on the plus strand (G>A on the coding strand, the complement: COL11A1 is on the minus strand). VCF-style: chr1-102898120-C-T. GRCh37 (hg19) VCF-style: chr1-103363676-C-T.
Other names: c.4185+5G>A (NM_001190709.2); c.4338+5G>A (NM_080629.3); c.3954+5G>A (NM_080630.4).
Identifiers: ClinVar variation 1709141 (VCV001709141.2), dbSNP rs2524328385, ClinGen allele CA2580060696.
Genomic context (GRCh38, chr1:102,898,120, plus strand): 5'-TAGCTAATAAACAATTTTGTTTTAGAAATTCTCACTTTTTAAATGACTGAAAAGATCTTA[C>T]TCACCATAGGACCAGGTGGTCCATCTTGGCCTGCAGCTCCAGGGAGACCTTGTTCTCCCT-3'

ClinVar aggregate classification (germline): Uncertain significance (1 of 4 stars; one submission).

Conditions:
Stickler syndrome type 2 (STL2). Also called: STICKLER SYNDROME, TYPE II; STICKLER SYNDROME, BEADED VITREOUS TYPE; STICKLER SYNDROME, VITREOUS TYPE 2; COL11A1-Related Stickler Syndrome. Identifiers: Orphanet 828, Orphanet 90654, MedGen C1858084, MONDO:0011493, OMIM 604841.

Submission:

MGZ Medical Genetics Center
Classification: Uncertain significance for Stickler syndrome type 2. Last evaluated: 2022-03-10. Review status: criteria provided, single submitter. Criteria: ACMG Guidelines, 2015. Collection method: clinical testing. Allele origin: germline. Affected: yes. Observed: 1 variant allele.
Comment: ACMG criteria applied: PM2_SUP, PP3